The following is an entry in ClinVar:

ClinVar aggregate classification (germline): Uncertain significance (1 of 4 stars; one submission).

gnomAD v4.1: 9 of 1,613,180 alleles (0.00056%); highest among the groups gnomAD compares: African/African-American, 0.011%; no homozygotes.

Submission:

GeneDx
Classification: Uncertain significance. Last evaluated: 2025-02-13. Review status: criteria provided, single submitter. Criteria: GeneDx Variant Classification Process June 2021. Collection method: clinical testing. Allele origin: germline. Affected: yes.
Comment: Not observed at significant frequency in large population cohorts (gnomAD); Missense variant in a gene in which most reported pathogenic variants are truncating/loss of function; Has not been previously published as pathogenic or benign to our knowledge

NM_001267550.2(TTN):c.42754T>G (p.Cys14252Gly)

Gene: TTN (titin; minus strand). Cytogenetic location: 2q31.2.
Variant type: single nucleotide variant.
Coding change: c.42754T>G on transcript NM_001267550.2 (MANE Select); coding-DNA position 42754, T replaced by G.
Protein change: p.Cys14252Gly; replaces cysteine 14252 with glycine.
Molecular consequence: missense variant.
Genome position (GRCh38, 1-based): chr2:178,633,605, A>C on the plus strand (T>G on the coding strand, the complement: TTN is on the minus strand). VCF-style: chr2-178633605-A-C. GRCh37 (hg19) VCF-style: chr2-179498332-A-C.
Other names: c.37831T>G, p.Cys12611Gly (NM_001256850.1); c.15559T>G, p.Cys5187Gly (NM_003319.4); c.35050T>G, p.Cys11684Gly (NM_133378.4); c.15934T>G, p.Cys5312Gly (NM_133432.3); c.16135T>G, p.Cys5379Gly (NM_133437.4); short protein forms C11684G, C12611G, C14252G, C5187G, C5312G, C5379G.
Identifiers: ClinVar variation 4075573 (VCV004075573.1).